The following is an entry in ClinVar:

ClinVar aggregate classification (germline): Uncertain significance. Review status: criteria provided, multiple submitters, no conflicts (2 of 4 stars). 2 submissions from 2 submitters: Uncertain significance (2). Last evaluated 2024-04-29.

Conditions:
Bloom syndrome (BLM). Also called: Bloom-Torre-Machacek syndrome. Identifiers: Orphanet 125, MedGen C0005859, MONDO:0008876, OMIM 210900.
Hereditary cancer-predisposing syndrome. Also called: Neoplastic Syndromes, Hereditary; Tumor predisposition; Hereditary neoplastic syndrome; Hereditary Cancer Syndrome. Identifiers: Orphanet 140162, MedGen C0027672, MeSH D009386, MONDO:0015356.

Submissions (2):

Labcorp Genetics (formerly Invitae), Labcorp
Classification: Uncertain significance for Bloom syndrome. Last evaluated: 2024-04-29. Review status: criteria provided, single submitter. Criteria: Invitae Variant Classification Sherloc (09022015). Collection method: clinical testing. Allele origin: germline.
Comment: This sequence change replaces glutamic acid, which is acidic and polar, with lysine, which is basic and polar, at codon 98 of the BLM protein (p.Glu98Lys). This variant is not present in population databases (gnomAD no frequency). This variant has not been reported in the literature in individuals affected with BLM-related conditions. ClinVar contains an entry for this variant (Variation ID: 838380). An algorithm developed to predict the effect of missense changes on protein structure and function (PolyPhen-2) suggests that this variant is likely to be tolerated. In summary, the available evidence is currently insufficient to determine the role of this variant in disease. Therefore, it has been classified as a Variant of Uncertain Significance.

Ambry Genetics
Classification: Uncertain significance for Hereditary cancer-predisposing syndrome. Last evaluated: 2022-11-15. Review status: criteria provided, single submitter. Criteria: Ambry Variant Classification Scheme 2023. Collection method: clinical testing. Allele origin: germline.
Comment: The p.E98K variant (also known as c.292G>A), located in coding exon 2 of the BLM gene, results from a G to A substitution at nucleotide position 292. The glutamic acid at codon 98 is replaced by lysine, an amino acid with similar properties. This amino acid position is conserved. In addition, this alteration is predicted to be tolerated by in silico analysis. Since supporting evidence is limited at this time, the clinical significance of this alteration remains unclear.

NM_000057.4(BLM):c.292G>A (p.Glu98Lys)

Gene: BLM (BLM RecQ like helicase; plus strand). Cytogenetic location: 15q26.1.
Variant type: single nucleotide variant.
Coding change: c.292G>A on transcript NM_000057.4 (MANE Select); coding-DNA position 292, G replaced by A.
Protein change: p.Glu98Lys; replaces glutamic acid 98 with lysine.
Molecular consequence: missense variant. On other transcripts: 5 prime UTR variant (1).
Genome position (GRCh38, 1-based): chr15:90,749,560, G>A. VCF-style: chr15-90749560-G-A. GRCh37 (hg19) VCF-style: chr15-91292790-G-A.
Other names: c.292G>A, p.Glu98Lys (NM_001287246.2, NM_001287247.2); c.-1000G>A (NM_001287248.2); c.292G>A (NM_000057.2); short protein forms E98K.
Identifiers: ClinVar variation 838380 (VCV000838380.10), dbSNP rs1895608811, ClinGen allele CA393840160.
Genomic context (GRCh38, chr15:90,749,560, plus strand): 5'-CCCAACACCACAAATCAGCAAAGGGTCAAGGACTTCTTTAAAAATGCTCCAGCAGGACAG[G>A]AAACACAGAGAGGTGGATCAAAATCATTATTGCCAGATTTCTTGCAGACTCCGAAGGAAG-3'
Protein context (NP_000048.1, residues 88-108): DFFKNAPAGQ[Glu98Lys]TQRGGSKSLL